The following is an entry in ClinVar:

NM_001199267.2(DGKZ):c.162-898T>C

Gene: DGKZ (diacylglycerol kinase zeta; plus strand). Cytogenetic location: 11p11.2.
Variant type: single nucleotide variant.
Coding change: c.162-898T>C on transcript NM_001199267.2 (MANE Select); 898 bases into the intron before coding-DNA position 162, T replaced by C.
Molecular consequence: intron variant. On other transcripts: missense variant (1).
Genome position (GRCh38, 1-based): chr11:46,366,393, T>C. VCF-style: chr11-46366393-T-C. GRCh37 (hg19) VCF-style: chr11-46387943-T-C.
Other names: c.137T>C, p.Leu46Pro (NM_001105540.2); c.213-898T>C (NM_201532.3); c.177-898T>C (NM_201533.3); c.162-898T>C (NM_001199266.2, NM_003646.4, NM_001199268.2); short protein forms L46P.
Identifiers: ClinVar variation 2389151 (VCV002389151.5), dbSNP rs781025975, ClinGen allele CA380210125.

ClinVar aggregate classification (germline): Uncertain significance. Review status: criteria provided, multiple submitters, no conflicts (2 of 4 stars). 2 submissions from 2 submitters: Uncertain significance (2). Last evaluated 2025-08-29.

Allele frequency attached by ClinVar (database versions not stated): gnomAD 0.00003.
gnomAD v4.1: 33 of 1,524,684 alleles (0.0022%); highest among the groups gnomAD compares: Non-Finnish European, 0.0029%; no homozygotes.

Submissions (2):

Ambry Genetics
Classification: Uncertain significance. Last evaluated: 2025-08-29. Review status: criteria provided, single submitter. Criteria: Ambry Variant Classification Scheme 2023. Collection method: clinical testing. Allele origin: germline.

Labcorp Genetics (formerly Invitae), Labcorp
Classification: Uncertain significance. Last evaluated: 2024-06-24. Review status: criteria provided, single submitter. Criteria: Invitae Variant Classification Sherloc (09022015). Collection method: clinical testing. Allele origin: germline.
Comment: This sequence change replaces leucine, which is neutral and non-polar, with proline, which is neutral and non-polar, at codon 46 of the DGKZ protein (p.Leu46Pro). The frequency data for this variant in the population databases is considered unreliable, as metrics indicate poor data quality at this position in the gnomAD database. This variant has not been reported in the literature in individuals affected with DGKZ-related conditions. ClinVar contains an entry for this variant (Variation ID: 2389151). An algorithm developed to predict the effect of missense changes on protein structure and function (PolyPhen-2) suggests that this variant is likely to be disruptive. In summary, the available evidence is currently insufficient to determine the role of this variant in disease. Therefore, it has been classified as a Variant of Uncertain Significance.